The following is an entry in ClinVar:

ClinVar aggregate classification (germline): Conflicting classifications of pathogenicity. Review status: criteria provided, conflicting classifications (1 of 4 stars). 5 submissions from 5 submitters: Likely pathogenic (1); Uncertain significance (4). Last evaluated 2026-07-08.

Conditions:
Aortic aneurysm, familial thoracic 10 (AAT10). Identifiers: MedGen C4284414, MONDO:0014950, OMIM 617168.
Cardiovascular phenotype. Identifiers: MedGen CN230736.

Allele frequency attached by ClinVar (database versions not stated): gnomAD exomes 0.00003; TOPMed 0.00003; gnomAD 0.00005 and 0.00004; ExAC 0.00002.
gnomAD v4.1: 66 of 1,613,176 alleles (0.0041%); highest among the groups gnomAD compares: Non-Finnish European, 0.0047%; no homozygotes.

Submissions (5):

GeneDx
Classification: Uncertain significance. Last evaluated: 2026-07-08. Review status: criteria provided, single submitter. Criteria: GeneDx Variant Classification Process June 2021. Collection method: clinical testing. Allele origin: germline.
Comment: Has not been previously published as pathogenic or benign to our knowledge; In silico analysis supports that this missense variant has a deleterious effect on protein structure/function

Ambry Genetics
Classification: Uncertain significance for Cardiovascular phenotype. Last evaluated: 2026-04-29. Review status: criteria provided, single submitter. Criteria: Ambry Variant Classification Scheme 2023. Collection method: clinical testing. Allele origin: germline.
Comment: The p.R397H variant (also known as c.1190G>A), located in coding exon 6 of the LOX gene, results from a G to A substitution at nucleotide position 1190. The arginine at codon 397 is replaced by histidine, an amino acid with highly similar properties. This amino acid position is highly conserved in available vertebrate species. In addition, the in silico prediction for this alteration is inconclusive. Since supporting evidence is limited at this time, the clinical significance of this alteration remains unclear.

Labcorp Genetics (formerly Invitae), Labcorp
Classification: Likely pathogenic. Last evaluated: 2026-01-28. Review status: criteria provided, single submitter. Criteria: Invitae Variant Classification Sherloc (09022015). Collection method: clinical testing. Allele origin: germline.
Comment: This sequence change replaces arginine, which is basic and polar, with histidine, which is basic and polar, at codon 397 of the LOX protein (p.Arg397His). This variant is present in population databases (rs749796906, gnomAD 0.007%). This missense change has been observed in individuals with thoracic aortic aneurysm and/or dissection (internal data). ClinVar contains an entry for this variant (Variation ID: 1434346). Invitae Evidence Modeling of protein sequence and biophysical properties (such as structural, functional, and spatial information, amino acid conservation, physicochemical variation, residue mobility, and thermodynamic stability) indicates that this missense variant is expected to disrupt LOX protein function with a positive predictive value of 95%. In summary, the currently available evidence indicates that the variant is pathogenic, but additional data are needed to prove that conclusively. Therefore, this variant has been classified as Likely Pathogenic.

Victorian Clinical Genetics Services, Murdoch Childrens Research Institute
Classification: Uncertain significance for Aortic aneurysm, familial thoracic 10. Last evaluated: 2025-05-28. Review status: criteria provided, single submitter. Criteria: ACMG Guidelines, 2015. Collection method: clinical testing. Allele origin: germline. Affected: yes.
Comment: This variant is classified as VUS-3A. Evidence in support of pathogenic classification: Variant is present in gnomAD <0.001 for a dominant condition (v4: 66 heterozygote(s), 0 homozygote(s)) . Additional information: Variant is predicted to result in a missense amino acid change from arginine to histidine; This variant is heterozygous; This gene is associated with autosomal dominant disease; Alternative amino acid change(s) at the same position are present in gnomAD (highest allele count: v4: 15 heterozygote(s), 0 homozygote(s)) ; Previous evidence of pathogenicity for this variant is inconclusive. It has been classified as likely pathogenic and VUS by clinical laboratories in individuals both affected with LOX-related features and individuals with unrelated phenotypes (ClinVar, personal communication). In addition, it has been reported in an individual with ALS where a pathogenic SOD1 gene variant was also detected (PMID: 25299611) and as VUS in an individual affected with Ehlers Danlos syndrome (PMID: 38534782); No published functional evidence has been identified for this variant; Another missense variant comparable to the one identified in this case has inconclusive previous evidence for pathogenicity. p.(Arg397Cys) has been classified as a variant of uncertain significance by clinical laboratories (ClinVar); Variant is located in the annotated lysyl oxidase domain (DECIPHER); Missense variant with inconclusive in silico prediction and uninformative conservation; Loss of function is a known mechanism of disease in this gene and is associated with aortic aneurysm, familial thoracic 10 (MIM#617168); Variants in this gene are known to have variable expressivity (PMID: 26838787); Inheritance information for this variant is not currently available in this individual.

Revvity Omics, Revvity
Classification: Uncertain significance for Aortic aneurysm, familial thoracic 10. Last evaluated: 2019-10-03. Review status: criteria provided, single submitter. Criteria: ACMG Guidelines, 2015. Collection method: clinical testing. Allele origin: germline.

Literature cited by the submitters: PubMed 26838787 (cited by Victorian Clinical Genetics Services, Murdoch Childrens Research Institute); PubMed 25299611 (cited by Victorian Clinical Genetics Services, Murdoch Childrens Research Institute); PubMed 38534782 (cited by Victorian Clinical Genetics Services, Murdoch Childrens Research Institute).

NM_002317.7(LOX):c.1190G>A (p.Arg397His)

Genes: LOX (lysyl oxidase; minus strand), SRFBP1 (serum response factor binding protein 1; plus strand). Cytogenetic location: 5q23.1.
Variant type: single nucleotide variant.
Coding change: c.1190G>A on transcript NM_002317.7 (MANE Select); coding-DNA position 1190, G replaced by A.
Protein change: p.Arg397His; replaces arginine 397 with histidine.
Molecular consequence: missense variant.
Genome position (GRCh38, 1-based): chr5:122,070,110, C>T on the plus strand (G>A on the coding strand, the complement: LOX is on the minus strand). VCF-style: chr5-122070110-C-T. GRCh37 (hg19) VCF-style: chr5-121405805-C-T.
Other names: c.1190G>A (NM_002317.6); c.500G>A, p.Arg167His (NM_001178102.2); c.299G>A, p.Arg100His (NM_001317073.1); short protein forms R167H, R397H, R100H.
Identifiers: ClinVar variation 1434346 (VCV001434346.20), dbSNP rs749796906, ClinGen allele CA3383822.